The following is an entry in ClinVar:

NM_001244008.2(KIF1A):c.2980G>T (p.Asp994Tyr)

Gene: KIF1A (kinesin family member 1A; minus strand). Cytogenetic location: 2q37.3.
Variant type: single nucleotide variant.
Coding change: c.2980G>T on transcript NM_001244008.2 (MANE Select); coding-DNA position 2980, G replaced by T.
Protein change: p.Asp994Tyr; replaces aspartic acid 994 with tyrosine.
Molecular consequence: missense variant.
Genome position (GRCh38, 1-based): chr2:240,747,319, C>A on the plus strand (G>T on the coding strand, the complement: KIF1A is on the minus strand). VCF-style: chr2-240747319-C-A. GRCh37 (hg19) VCF-style: chr2-241686736-C-A.
Other names: c.2704G>T, p.Asp902Tyr (NM_001320705.2, NM_001330289.2, NM_001379638.1); c.2779G>T, p.Asp927Tyr (NM_001330290.2, NM_001379634.1, NM_001379635.1 and 1 more transcripts); c.3055G>T, p.Asp1019Tyr (NM_001379631.1); c.2929G>T, p.Asp977Tyr (NM_001379632.1); c.2953G>T, p.Asp985Tyr (NM_001379633.1, NM_001379642.1, NM_001379645.1); c.2677G>T, p.Asp893Tyr (NM_001379636.1, NM_001379639.1, NM_001379640.1 and 7 more transcripts); c.2752G>T, p.Asp918Tyr (NM_001379637.1, NM_001379648.1); short protein forms D1019Y, D977Y, D994Y, D918Y, D902Y, D927Y, D985Y, D893Y.
Identifiers: ClinVar variation 1969150 (VCV001969150.5), dbSNP rs2048715379, ClinGen allele CA351319445.

ClinVar aggregate classification (germline): Uncertain significance (1 of 4 stars; one submission).

Conditions:
Hereditary spastic paraplegia 30. Identifiers: Orphanet 101010, MedGen C5235139, MONDO:0012476.
Neuropathy, hereditary sensory, type 2C. Also called: Hereditary sensory and autonomic neuropathy type IIC; KIF1A-Related HSAN2 (HSAN2C). Identifiers: Orphanet 970, MedGen C3280168, MONDO:0013634, OMIM 614213.
Intellectual disability, autosomal dominant 9 (NESCAVS). Also called: NESCAV SYNDROME; KIF1A-Related Neurodevelopmental Disorder. Identifiers: Orphanet 662367, MedGen C5393830, MONDO:0013656, OMIM 614255.

Submission:

Labcorp Genetics (formerly Invitae), Labcorp
Classification: Uncertain significance for Hereditary spastic paraplegia 30; Neuropathy, hereditary sensory, type 2C; Intellectual disability, autosomal dominant 9. Last evaluated: 2022-04-10. Review status: criteria provided, single submitter. Criteria: Invitae Variant Classification Sherloc (09022015). Collection method: clinical testing. Allele origin: germline.
Comment: This sequence change replaces aspartic acid, which is acidic and polar, with tyrosine, which is neutral and polar, at codon 893 of the KIF1A protein (p.Asp893Tyr). This variant is not present in population databases (gnomAD no frequency). This variant has not been reported in the literature in individuals affected with KIF1A-related conditions. Algorithms developed to predict the effect of missense changes on protein structure and function are either unavailable or do not agree on the potential impact of this missense change (SIFT: "Deleterious"; PolyPhen-2: "Probably Damaging"; Align-GVGD: "Class C0"). In summary, the available evidence is currently insufficient to determine the role of this variant in disease. Therefore, it has been classified as a Variant of Uncertain Significance.